The following is an entry in ClinVar:

ClinVar aggregate classification (germline): Uncertain significance (1 of 4 stars; one submission).

Conditions:
Fanconi anemia (FA). Also called: Fanconi's anemia. Identifiers: Orphanet 84, MedGen C0015625, MeSH D005199, MONDO:0019391.

gnomAD v4.1: 4 of 1,609,728 alleles (0.00025%); highest among the groups gnomAD compares: Non-Finnish European, 0.00034%; no homozygotes.

Submission:

Labcorp Genetics (formerly Invitae), Labcorp
Classification: Uncertain significance for Fanconi anemia. Last evaluated: 2024-09-21. Review status: criteria provided, single submitter. Criteria: Invitae Variant Classification Sherloc (09022015). Collection method: clinical testing. Allele origin: germline.
Comment: This sequence change replaces threonine, which is neutral and polar, with isoleucine, which is neutral and non-polar, at codon 1908 of the FANCM protein (p.Thr1908Ile). This variant is not present in population databases (gnomAD no frequency). This variant has not been reported in the literature in individuals affected with FANCM-related conditions. An algorithm developed to predict the effect of missense changes on protein structure and function outputs the following: PolyPhen-2: "Benign". The isoleucine amino acid residue is found in multiple mammalian species, which suggests that this missense change does not adversely affect protein function. In summary, the available evidence is currently insufficient to determine the role of this variant in disease. Therefore, it has been classified as a Variant of Uncertain Significance.

NM_020937.4(FANCM):c.5723C>T (p.Thr1908Ile)

Gene: FANCM (FA complementation group M; plus strand). Cytogenetic location: 14q21.2.
Variant type: single nucleotide variant.
Coding change: c.5723C>T on transcript NM_020937.4 (MANE Select); coding-DNA position 5723, C replaced by T.
Protein change: p.Thr1908Ile; replaces threonine 1908 with isoleucine.
Molecular consequence: missense variant.
Genome position (GRCh38, 1-based): chr14:45,198,650, C>T. VCF-style: chr14-45198650-C-T. GRCh37 (hg19) VCF-style: chr14-45667853-C-T.
Other names: c.5645C>T, p.Thr1882Ile (NM_001308133.2); short protein forms T1908I, T1882I.
Identifiers: ClinVar variation 3730690 (VCV003730690.2).
Genomic context (GRCh38, chr14:45,198,650, plus strand): 5'-TTCTACTTAATATTAGTTACTGAAGTTTGCCTTTCCCTAAATATGAATATTTAGGAGACA[C>T]ATCAAGGATGTTTAGGAGAACAAAGAGCTATGACAGCCTGCTGACTACCTTAATTGGCGC-3'
Protein context (NP_065988.1, residues 1898-1918): VEKDREKTGD[Thr1908Ile]SRMFRRTKSY